The following is an entry in ClinVar:

NM_000540.3(RYR1):c.7703T>G (p.Leu2568Arg)

Gene: RYR1 (ryanodine receptor 1; plus strand). Cytogenetic location: 19q13.2.
Variant type: single nucleotide variant.
Coding change: c.7703T>G on transcript NM_000540.3 (MANE Select); coding-DNA position 7703, T replaced by G.
Protein change: p.Leu2568Arg; replaces leucine 2568 with arginine.
Molecular consequence: missense variant.
Genome position (GRCh38, 1-based): chr19:38,502,595, T>G. VCF-style: chr19-38502595-T-G. GRCh37 (hg19) VCF-style: chr19-38993235-T-G.
Other names: c.7703T>G, p.Leu2568Arg (NM_001042723.2); short protein forms L2568R.
Identifiers: ClinVar variation 4070637 (VCV004070637.1).
Genomic context (GRCh38, chr19:38,502,595, plus strand): 5'-TGGCGCTGAACCGCTACCTGTGCCTGGCCGTGCTGCCGCTCATCACCAAGTGTGCGCCGC[T>G]CTTTGCGGGCACAGAACACCGCGCCATCATGGTGGACTCTATGCTGCATACCGTGTACCG-3'
Protein context (NP_000531.2, residues 2558-2578): VLPLITKCAP[Leu2568Arg]FAGTEHRAIM

ClinVar aggregate classification (germline): Uncertain significance (1 of 4 stars; one submission).

gnomAD v4.1: 2 of 1,612,394 alleles (0.00012%); highest among the groups gnomAD compares: Non-Finnish European, 0.00017%; no homozygotes.

Submission:

GeneDx
Classification: Uncertain significance. Last evaluated: 2025-01-14. Review status: criteria provided, single submitter. Criteria: GeneDx Variant Classification Process June 2021. Collection method: clinical testing. Allele origin: germline. Affected: yes.
Comment: Not observed at significant frequency in large population cohorts (gnomAD); In silico analysis supports that this missense variant has a deleterious effect on protein structure/function; Has not been previously published as pathogenic or benign to our knowledge